The following is an entry in ClinVar:

ClinVar aggregate classification (germline): Uncertain significance. Review status: criteria provided, multiple submitters, no conflicts (2 of 4 stars). 2 submissions from 2 submitters: Uncertain significance (2). Last evaluated 2024-11-26.

Conditions:
Inborn genetic diseases. Identifiers: MedGen C0950123, MeSH D030342.
Compton-North congenital myopathy (CMYO12). Identifiers: Orphanet 210163, MedGen C2675527, MONDO:0012929, OMIM 612540.

Allele frequency attached by ClinVar (database versions not stated): gnomAD 0.00001; gnomAD exomes 0.00001; TOPMed 0.00002.
gnomAD v4.1: 12 of 1,611,078 alleles (0.00074%); highest among the groups gnomAD compares: African/African-American, 0.0013%; no homozygotes.

Submissions (2):

Ambry Genetics
Classification: Uncertain significance for Inborn genetic diseases. Last evaluated: 2024-11-26. Review status: criteria provided, single submitter. Criteria: Ambry Variant Classification Scheme 2023. Collection method: clinical testing. Allele origin: germline.

Labcorp Genetics (formerly Invitae), Labcorp
Classification: Uncertain significance for Compton-North congenital myopathy. Last evaluated: 2022-01-05. Review status: criteria provided, single submitter. Criteria: Invitae Variant Classification Sherloc (09022015). Collection method: clinical testing. Allele origin: germline.
Comment: This sequence change replaces valine, which is neutral and non-polar, with isoleucine, which is neutral and non-polar, at codon 245 of the CNTN1 protein (p.Val245Ile). This variant is present in population databases (no rsID available, gnomAD 0.002%). This variant has not been reported in the literature in individuals affected with CNTN1-related conditions. ClinVar contains an entry for this variant (Variation ID: 650397). Advanced modeling of protein sequence and biophysical properties (such as structural, functional, and spatial information, amino acid conservation, physicochemical variation, residue mobility, and thermodynamic stability) performed at Invitae indicates that this missense variant is not expected to disrupt CNTN1 protein function. In summary, the available evidence is currently insufficient to determine the role of this variant in disease. Therefore, it has been classified as a Variant of Uncertain Significance.

NM_001843.4(CNTN1):c.733G>A (p.Val245Ile)

Gene: CNTN1 (contactin 1; plus strand). Cytogenetic location: 12q12.
Variant type: single nucleotide variant.
Coding change: c.733G>A on transcript NM_001843.4 (MANE Select); coding-DNA position 733, G replaced by A.
Protein change: p.Val245Ile; replaces valine 245 with isoleucine.
Molecular consequence: missense variant.
Genome position (GRCh38, 1-based): chr12:40,933,490, G>A. VCF-style: chr12-40933490-G-A. GRCh37 (hg19) VCF-style: chr12-41327292-G-A.
Other names: c.733G>A (NM_001843.2); c.733G>A, p.Val245Ile (NM_001256063.2, NM_001256064.2); c.700G>A, p.Val234Ile (NM_175038.2); short protein forms V245I, V234I.
Identifiers: ClinVar variation 650397 (VCV000650397.7), dbSNP rs1478025106, ClinGen allele CA384422974.